The following is an entry in ClinVar:

ClinVar aggregate classification (germline): Uncertain significance (1 of 4 stars; one submission).

Conditions:
Nephronophthisis. Also called: Juvenile Nephronophthisis. Identifiers: Orphanet 655, MedGen C0687120, MONDO:0019005, HP:0000090.

Submission:

Labcorp Genetics (formerly Invitae), Labcorp
Classification: Uncertain significance for Nephronophthisis. Last evaluated: 2023-07-07. Review status: criteria provided, single submitter. Criteria: Invitae Variant Classification Sherloc (09022015). Collection method: clinical testing. Allele origin: germline.
Comment: In summary, the available evidence is currently insufficient to determine the role of this variant in disease. Therefore, it has been classified as a Variant of Uncertain Significance. Advanced modeling of protein sequence and biophysical properties (such as structural, functional, and spatial information, amino acid conservation, physicochemical variation, residue mobility, and thermodynamic stability) performed at Invitae indicates that this missense variant is expected to disrupt NPHP4 protein function. ClinVar contains an entry for this variant (Variation ID: 1395627). This variant has not been reported in the literature in individuals affected with NPHP4-related conditions. This variant is not present in population databases (gnomAD no frequency). This sequence change replaces glutamine, which is neutral and polar, with proline, which is neutral and non-polar, at codon 1050 of the NPHP4 protein (p.Gln1050Pro).

NM_015102.5(NPHP4):c.3149A>C (p.Gln1050Pro)

Gene: NPHP4 (nephrocystin 4; minus strand). Cytogenetic location: 1p36.31.
Variant type: single nucleotide variant.
Coding change: c.3149A>C on transcript NM_015102.5 (MANE Select); coding-DNA position 3149, A replaced by C.
Protein change: p.Gln1050Pro; replaces glutamine 1050 with proline.
Molecular consequence: missense variant. On other transcripts: non-coding transcript variant (1).
Genome position (GRCh38, 1-based): chr1:5,874,553, T>G on the plus strand (A>C on the coding strand, the complement: NPHP4 is on the minus strand). VCF-style: chr1-5874553-T-G. GRCh37 (hg19) VCF-style: chr1-5934613-T-G.
Other names: c.1610A>C, p.Gln537Pro (NM_001291593.2); c.1613A>C, p.Gln538Pro (NM_001291594.2); short protein forms Q1050P, Q537P, Q538P.
Identifiers: ClinVar variation 1395627 (VCV001395627.6), dbSNP rs2100620578, ClinGen allele CA338055680.